The following is an entry in ClinVar:

NM_001283009.2(RTEL1):c.3585G>A (p.Ala1195=)

Genes: RTEL1 (regulator of telomere elongation helicase 1; plus strand), RTEL1-TNFRSF6B (RTEL1-TNFRSF6B readthrough (NMD candidate); plus strand). Cytogenetic location: 20q13.33.
Variant type: single nucleotide variant.
Coding change: c.3585G>A on transcript NM_001283009.2 (MANE Select); coding-DNA position 3585, G replaced by A.
Protein change: p.Ala1195=; no amino-acid change (alanine 1195 retained).
Molecular consequence: synonymous variant. On other transcripts: non-coding transcript variant (1).
Genome position (GRCh38, 1-based): chr20:63,695,413, G>A. VCF-style: chr20-63695413-G-A. GRCh37 (hg19) VCF-style: chr20-62326766-G-A.
Other names: c.3657G>A (NM_032957.4); c.2916G>A, p.Ala972= (NM_001283010.1); c.3585G>A, p.Ala1195= (NM_016434.4); c.3657G>A, p.Ala1219= (NM_032957.5).
Identifiers: ClinVar variation 1156588 (VCV001156588.28), dbSNP rs368887784, ClinGen allele CA9966132.

ClinVar aggregate classification (germline): Likely benign. Review status: criteria provided, multiple submitters, no conflicts (2 of 4 stars). 4 submissions from 4 submitters: Likely benign (4). Last evaluated 2025-12-23.

Conditions:
Inborn genetic diseases. Identifiers: MedGen C0950123, MeSH D030342.
Dyskeratosis congenita, autosomal recessive 5 (DKCB5). Identifiers: MedGen C3554656, MONDO:0014076, OMIM 615190.
Pulmonary fibrosis and/or bone marrow failure, Telomere-related, 3. Also called: PULMONARY FIBROSIS AND/OR BONE MARROW FAILURE SYNDROME, TELOMERE-RELATED, 3. Identifiers: Orphanet 2032, MedGen C4225346, MONDO:0014613, OMIM 616373.
Dyskeratosis congenita. Identifiers: Orphanet 1775, MedGen C0265965, MONDO:0015780.

Allele frequency attached by ClinVar (database versions not stated): gnomAD exomes 0.00002 and 0.00004; TOPMed 0.00004; ExAC 0.00006; gnomAD 0.00007 and 0.00009; ESP Exome Variant Server 0.00008.
gnomAD v4.1: 50 of 1,560,634 alleles (0.0032%); highest among the groups gnomAD compares: African/African-American, 0.012%; no homozygotes.

Submissions (4):

Labcorp Genetics (formerly Invitae), Labcorp
Classification: Likely benign for Dyskeratosis congenita, autosomal recessive 5; Pulmonary fibrosis and/or bone marrow failure, Telomere-related, 3. Last evaluated: 2025-12-23. Review status: criteria provided, single submitter. Criteria: Invitae Variant Classification Sherloc (09022015). Collection method: clinical testing. Allele origin: germline.

Ambry Genetics
Classification: Likely benign for Inborn genetic diseases. Last evaluated: 2025-01-16. Review status: criteria provided, single submitter. Criteria: Ambry Variant Classification Scheme 2023. Collection method: clinical testing. Allele origin: germline.

CeGaT Center for Human Genetics Tuebingen
Classification: Likely benign. Last evaluated: 2024-05-01. Review status: criteria provided, single submitter. Criteria: CeGaT Center For Human Genetics Tuebingen Variant Classification Criteria Version 2. Collection method: clinical testing. Allele origin: germline. Affected: yes. Observed: 1 variant allele.
Comment: RTEL1: BP4, BP7

Sema4
Classification: Likely benign for Dyskeratosis congenita. Last evaluated: 2021-11-29. Review status: criteria provided, single submitter. Criteria: Sema4 Curation Guidelines. Collection method: curation. Allele origin: germline.